The following is an entry in ClinVar:

ClinVar aggregate classification (germline): Pathogenic (1 of 4 stars; one submission).

Submission:

Labcorp Genetics (formerly Invitae), Labcorp
Classification: Pathogenic. Last evaluated: 2023-08-08. Review status: criteria provided, single submitter. Criteria: Invitae Variant Classification Sherloc (09022015). Collection method: clinical testing. Allele origin: germline.
Comment: For these reasons, this variant has been classified as Pathogenic. This variant has not been reported in the literature in individuals affected with PAFAH1B1-related conditions. This variant is not present in population databases (gnomAD no frequency). This sequence change creates a premature translational stop signal (p.Glu93*) in the PAFAH1B1 gene. It is expected to result in an absent or disrupted protein product. Loss-of-function variants in PAFAH1B1 are known to be pathogenic (PMID: 1671808, 11115846, 14581661).

Literature cited by the submitters: PubMed 1671808; PubMed 11115846; PubMed 14581661.

NM_000430.4(PAFAH1B1):c.277G>T (p.Glu93Ter)

Gene: PAFAH1B1 (platelet activating factor acetylhydrolase 1b regulatory subunit 1; plus strand). Cytogenetic location: 17p13.3.
Variant type: single nucleotide variant.
Coding change: c.277G>T on transcript NM_000430.4 (MANE Select); coding-DNA position 277, G replaced by T.
Protein change: p.Glu93Ter; replaces glutamic acid 93 with a stop codon.
Molecular consequence: nonsense.
Genome position (GRCh38, 1-based): chr17:2,667,076, G>T. VCF-style: chr17-2667076-G-T. GRCh37 (hg19) VCF-style: chr17-2570370-G-T.
Other names: short protein forms E93*.
Identifiers: ClinVar variation 2751230 (VCV002751230.3), dbSNP rs2544090147, ClinGen allele CA397638739.